The following is an entry in ClinVar:

ClinVar aggregate classification (germline): Benign (1 of 4 stars; one submission).

Conditions:
Nicolaides-Baraitser syndrome (NCBRS). Also called: SMARCA2-Related Nicolaides-Baraitser Syndrome; Intellectual disability-sparse hair-brachydactyly syndrome. Identifiers: Orphanet 3051, MedGen C1303073, MONDO:0011053, OMIM 601358.

Allele frequency attached by ClinVar (database versions not stated): gnomAD 0.01535 and 0.01641; TOPMed 0.01724; 1000 Genomes Project 0.01917; 1000 Genomes Project 30x 0.02108.

Submission:

Illumina Laboratory Services, Illumina
Classification: Benign for Nicolaides-Baraitser syndrome. Last evaluated: 2018-01-12. Review status: criteria provided, single submitter. Criteria: ICSL Variant Classification Criteria 13 December 2019. Collection method: clinical testing. Allele origin: germline.
Comment: This variant was observed in the ICSL laboratory as part of a predisposition screen in an ostensibly healthy population. It had not been previously curated by ICSL or reported in the Human Gene Mutation Database (HGMD: prior to June 1st, 2018), and was therefore a candidate for classification through an automated scoring system. Utilizing variant allele frequency, disease prevalence and penetrance estimates, and inheritance mode, an automated score was calculated to assess if this variant is too frequent to cause the disease. Based on the score and internal cut-off values, a variant classified as benign is not then subjected to further curation. The score for this variant resulted in a classification of benign for this disease.

NM_003070.5(SMARCA2):c.*620T>C

Gene: SMARCA2 (SWI/SNF related BAF chromatin remodeling complex subunit ATPase 2; plus strand). Cytogenetic location: 9p24.3.
Variant type: single nucleotide variant.
Coding change: c.*620T>C on transcript NM_003070.5 (MANE Select); 620 bases downstream of the stop codon, T replaced by C.
Molecular consequence: 3 prime UTR variant.
Genome position (GRCh38, 1-based): chr9:2,193,359, T>C. VCF-style: chr9-2193359-T-C. GRCh37 (hg19) VCF-style: chr9-2193359-T-C.
Other names: c.*620T>C (NM_001289396.2, NM_001289397.2, NM_001289398.2 and 3 more transcripts).
Identifiers: ClinVar variation 366339 (VCV000366339.5), dbSNP rs7048532, ClinGen allele CA10633616.